The following is an entry in ClinVar:

ClinVar aggregate classification (germline): Benign/Likely benign. Review status: criteria provided, multiple submitters, no conflicts (2 of 4 stars). 5 submissions from 5 submitters: Benign (2); Likely benign (2). 1 of the submissions does not count toward it. Last evaluated 2025-12-17.

Conditions:
OTOGL-related disorder. Also called: OTOGL-related condition.

Allele frequency attached by ClinVar (database versions not stated): gnomAD below 0.00001 and 0.00017; TOPMed 0.00003; gnomAD exomes 0.00026 and 0.00054; ExAC 0.00056; 1000 Genomes Project 0.00120; 1000 Genomes Project 30x 0.00125.
gnomAD v4.1: 423 of 1,613,202 alleles (0.026%); highest among the groups gnomAD compares: South Asian, 0.42%; 2 homozygotes.

Submissions (5):

Labcorp Genetics (formerly Invitae), Labcorp
Classification: Benign. Last evaluated: 2025-12-17. Review status: criteria provided, single submitter. Criteria: Invitae Variant Classification Sherloc (09022015). Collection method: clinical testing. Allele origin: germline.

Blueprint Genetics
Classification: Likely benign. Last evaluated: 2023-10-02. Review status: criteria provided, single submitter. Criteria: ACMG Guidelines, 2015. Collection method: clinical testing. Allele origin: germline.

GeneDx
Classification: Likely benign. Last evaluated: 2020-01-07. Review status: criteria provided, single submitter. Criteria: GeneDx Variant Classification Process June 2021. Collection method: clinical testing. Allele origin: germline. Affected: yes.

Laboratory for Molecular Medicine, Mass General Brigham Personalized Medicine
Classification: Benign. Last evaluated: 2015-05-03. Review status: criteria provided, single submitter. Criteria: LMM Criteria. Collection method: clinical testing. Allele origin: germline. Observed: 1 variant allele.
Comment: p.Leu441Leu in exon 13 of OTOGL: This variant is not expected to have clinical s ignificance because it does not alter an amino acid residue and is not located w ithin the splice consensus sequence. It has been identified in 0.41% (67/16448) of South Asian chromosomes including 1 homozygote by the Exome Aggregation Conso rtium (ExAC).

PreventionGenetics, part of Exact Sciences
Classification: Likely benign for OTOGL-related condition. Last evaluated: 2020-10-06. Review status: no assertion criteria provided. Collection method: clinical testing. Allele origin: germline. Not counted in ClinVar's aggregate classification.
Comment: This variant is classified as likely benign based on ACMG/AMP sequence variant interpretation guidelines (Richards et al. 2015 PMID: 25741868, with internal and published modifications).

NM_001378609.3(OTOGL):c.1350A>G (p.Leu450=)

Gene: OTOGL (otogelin like; plus strand). Cytogenetic location: 12q21.31.
Variant type: single nucleotide variant.
Coding change: c.1350A>G on transcript NM_001378609.3 (MANE Select); coding-DNA position 1350, A replaced by G.
Protein change: p.Leu450=; no amino-acid change (leucine 450 retained).
Molecular consequence: synonymous variant.
Genome position (GRCh38, 1-based): chr12:80,253,530, A>G. VCF-style: chr12-80253530-A-G. GRCh37 (hg19) VCF-style: chr12-80647310-A-G.
Other names: c.1350A>G, p.Leu450= (NM_001368062.3, NM_001378610.3, NM_173591.7).
Identifiers: ClinVar variation 226928 (VCV000226928.12), dbSNP rs557104053, ClinGen allele CA6700429.
Genomic context (GRCh38, chr12:80,253,530, plus strand): 5'-CGTAATGGACAATGGGACTTGCATCTCCTTGGAAAATTGCCCATGCGGTTTTCATGGATT[A>G]GCTTATTCAGTTGGTTCAAAAATTGAACAAGAATGTACTGAATGGTATGTGATCAGTGTG-3'
Protein context (NP_001365538.2, residues 440-460): LENCPCGFHG[Leu450=]AYSVGSKIEQ